The following is an entry in ClinVar:

ClinVar aggregate classification (germline): Uncertain significance. Review status: criteria provided, multiple submitters, no conflicts (2 of 4 stars). 2 submissions from 2 submitters: Uncertain significance (2). Last evaluated 2025-06-12.

Conditions:
DDX41-related disorder. Also called: DDX41-related condition.
DDX41-related hematologic malignancy predisposition syndrome. Also called: Myeloproliferative/lymphoproliferative neoplasms, familial (multiple types), susceptibility to; DDX41-Associated Familial Myelodysplastic Syndrome and Acute Myeloid Leukemia. Identifiers: Orphanet 488647, MedGen C4225174, MONDO:0014809, OMIM 616871.

Submissions (2):

PreventionGenetics, part of Exact Sciences
Classification: Uncertain significance for DDX41-related condition. Last evaluated: 2025-06-12. Review status: criteria provided, single submitter. Criteria: ACMG Guidelines, 2015. Collection method: clinical testing. Allele origin: germline.
Comment: The DDX41 c.1124G>A variant is predicted to result in the amino acid substitution p.Ser375Asn. To our knowledge, this variant has not been reported in the literature or in a large population database (gnomAD), indicating this variant is rare. At this time, the clinical significance of this variant is uncertain due to the absence of conclusive functional and genetic evidence.

ARUP Laboratories, Molecular Genetics and Genomics, ARUP Laboratories
Classification: Uncertain significance for DDX41-related hematologic malignancy predisposition syndrome. Last evaluated: 2024-01-08. Review status: criteria provided, single submitter. Criteria: ARUP Molecular Germline Variant Investigation Process 2024. Collection method: clinical testing. Allele origin: germline.

NM_016222.4(DDX41):c.1124G>A (p.Ser375Asn)

Gene: DDX41 (DEAD-box helicase 41; minus strand). Cytogenetic location: 5q35.3.
Variant type: single nucleotide variant.
Coding change: c.1124G>A on transcript NM_016222.4 (MANE Select); coding-DNA position 1124, G replaced by A.
Protein change: p.Ser375Asn; replaces serine 375 with asparagine.
Molecular consequence: missense variant.
Genome position (GRCh38, 1-based): chr5:177,513,459, C>T on the plus strand (G>A on the coding strand, the complement: DDX41 is on the minus strand). VCF-style: chr5-177513459-C-T. GRCh37 (hg19) VCF-style: chr5-176940460-C-T.
Other names: c.1124G>A (NM_016222.3); c.746G>A, p.Ser249Asn (NM_001321732.2, NM_001321830.2); short protein forms S249N, S375N.
Identifiers: ClinVar variation 3766928 (VCV003766928.2).